The following is an entry in ClinVar:

ClinVar aggregate classification (germline): Uncertain significance (1 of 4 stars; one submission).

Submission:

Labcorp Genetics (formerly Invitae), Labcorp
Classification: Uncertain significance. Last evaluated: 2024-09-26. Review status: criteria provided, single submitter. Criteria: Invitae Variant Classification Sherloc (09022015). Collection method: clinical testing. Allele origin: germline.
Comment: This sequence change affects codon 499 of the THBD mRNA. It is a 'silent' change, meaning that it does not change the encoded amino acid sequence of the THBD protein. This variant is not present in population databases (gnomAD no frequency). This variant has not been reported in the literature in individuals affected with THBD-related conditions. In summary, the available evidence is currently insufficient to determine the role of this variant in disease. Therefore, it has been classified as a Variant of Uncertain Significance.

NM_000361.3(THBD):c.1497G>T (p.Pro499=)

Gene: THBD (thrombomodulin; minus strand). Cytogenetic location: 20p11.21.
Variant type: single nucleotide variant.
Coding change: c.1497G>T on transcript NM_000361.3 (MANE Select); coding-DNA position 1497, G replaced by T.
Protein change: p.Pro499=; no amino-acid change (proline 499 retained).
Molecular consequence: synonymous variant.
Genome position (GRCh38, 1-based): chr20:23,048,008, C>A on the plus strand (G>T on the coding strand, the complement: THBD is on the minus strand). VCF-style: chr20-23048008-C-A. GRCh37 (hg19) VCF-style: chr20-23028645-C-A.
Identifiers: ClinVar variation 3683815 (VCV003683815.2).